The following is an entry in ClinVar:

NM_006329.4(FBLN5):c.1184G>A (p.Arg395Gln)

Gene: FBLN5 (fibulin 5; minus strand). Cytogenetic location: 14q32.12.
Variant type: single nucleotide variant.
Coding change: c.1184G>A on transcript NM_006329.4 (MANE Select); coding-DNA position 1184, G replaced by A.
Protein change: p.Arg395Gln; replaces arginine 395 with glutamine.
Molecular consequence: missense variant.
Genome position (GRCh38, 1-based): chr14:91,877,488, C>T on the plus strand (G>A on the coding strand, the complement: FBLN5 is on the minus strand). VCF-style: chr14-91877488-C-T. GRCh37 (hg19) VCF-style: chr14-92343832-C-T.
Other names: c.1307G>A, p.Arg436Gln (NM_001384158.1); c.1235G>A, p.Arg412Gln (NM_001384159.1); c.1184G>A, p.Arg395Gln (NM_001384160.1); c.1016G>A, p.Arg339Gln (NM_001384161.1, NM_001384162.1); short protein forms R395Q, R412Q, R436Q, R339Q.
Identifiers: ClinVar variation 4742693 (VCV004742693.1).
Genomic context (GRCh38, chr14:91,877,488, plus strand): 5'-GGAGAGACAGCACAAGGCCACTGTTACAGATGGCGTCCCCACTCCCCACTCCCTCTTACC[C>T]GCATGTAAAATTCTCTGCCCTCATTCCCAGATTTGATCTGGAAAATGTAATAGGCCCCAG-3'
Protein context (NP_006320.2, residues 385-405): SGNEGREFYM[Arg395Gln]QTGPISATLV

ClinVar aggregate classification (germline): Uncertain significance (1 of 4 stars; one submission).

gnomAD v4.1: 5 of 1,612,792 alleles (0.00031%); highest among the groups gnomAD compares: African/African-American, 0.0013%; no homozygotes.

Submission:

Labcorp Genetics (formerly Invitae), Labcorp
Classification: Uncertain significance. Last evaluated: 2025-11-02. Review status: criteria provided, single submitter. Criteria: Invitae Variant Classification Sherloc (09022015). Collection method: clinical testing. Allele origin: germline.
Comment: This sequence change replaces arginine, which is basic and polar, with glutamine, which is neutral and polar, at codon 395 of the FBLN5 protein (p.Arg395Gln). This variant is present in population databases (rs777333890, gnomAD 0.0009%). This variant has not been reported in the literature in individuals affected with FBLN5-related conditions. An algorithm developed to predict the effect of missense changes on protein structure and function (PolyPhen-2) suggests that this variant is likely to be tolerated. In summary, the available evidence is currently insufficient to determine the role of this variant in disease. Therefore, it has been classified as a Variant of Uncertain Significance.